The following is an entry in ClinVar:

ClinVar aggregate classification (germline): Uncertain significance (1 of 4 stars; one submission).

Conditions:
Peroxisome biogenesis disorder. Identifiers: Orphanet 79189, MedGen C1832200, MONDO:0019234. Disease mechanism: loss of function.

Allele frequency attached by ClinVar (database versions not stated): gnomAD exomes 0.00001.

Submission:

Labcorp Genetics (formerly Invitae), Labcorp
Classification: Uncertain significance for Peroxisome biogenesis disorder. Last evaluated: 2022-06-28. Review status: criteria provided, single submitter. Criteria: Invitae Variant Classification Sherloc (09022015). Collection method: clinical testing. Allele origin: germline.
Comment: This sequence change replaces valine, which is neutral and non-polar, with isoleucine, which is neutral and non-polar, at codon 310 of the PEX16 protein (p.Val310Ile). This variant is not present in population databases (gnomAD no frequency). This variant has not been reported in the literature in individuals affected with PEX16-related conditions. Algorithms developed to predict the effect of missense changes on protein structure and function output the following: SIFT: "Tolerated"; PolyPhen-2: "Benign"; Align-GVGD: "Class C0". The isoleucine amino acid residue is found in multiple mammalian species, which suggests that this missense change does not adversely affect protein function. In summary, the available evidence is currently insufficient to determine the role of this variant in disease. Therefore, it has been classified as a Variant of Uncertain Significance.

NM_004813.4(PEX16):c.928G>A (p.Val310Ile)

Gene: PEX16 (peroxisomal biogenesis factor 16; minus strand). Cytogenetic location: 11p11.2.
Variant type: single nucleotide variant.
Coding change: c.928G>A on transcript NM_004813.4 (MANE Select); coding-DNA position 928, G replaced by A.
Protein change: p.Val310Ile; replaces valine 310 with isoleucine.
Molecular consequence: missense variant.
Genome position (GRCh38, 1-based): chr11:45,910,922, C>T on the plus strand (G>A on the coding strand, the complement: PEX16 is on the minus strand). VCF-style: chr11-45910922-C-T. GRCh37 (hg19) VCF-style: chr11-45932473-C-T.
Other names: c.928G>A, p.Val310Ile (NM_057174.3); short protein forms V310I.
Identifiers: ClinVar variation 1391307 (VCV001391307.3), dbSNP rs771392114, ClinGen allele CA221584785.